The following is an entry in ClinVar:

ClinVar aggregate classification (germline): Uncertain significance. Review status: criteria provided, multiple submitters, no conflicts (2 of 4 stars). 2 submissions from 2 submitters: Uncertain significance (2). Last evaluated 2024-01-04.

Conditions:
Wolcott-Rallison dysplasia. Also called: MED-IDDM SYNDROME; Wolcott-Rallison syndrome. Identifiers: Orphanet 1667, MedGen C0432217, MONDO:0009192, OMIM 226980.

Allele frequency attached by ClinVar (database versions not stated): gnomAD exomes 0.00001 and 0.00002; gnomAD 0.00002; TOPMed 0.00002; ExAC 0.00004.
gnomAD v4.1: 13 of 1,584,160 alleles (0.00082%); highest among the groups gnomAD compares: Admixed American, 0.0067%; no homozygotes.

Submissions (2):

Fulgent Genetics
Classification: Uncertain significance for Wolcott-Rallison dysplasia. Last evaluated: 2024-01-04. Review status: criteria provided, single submitter. Criteria: ACMG Guidelines, 2015. Collection method: clinical testing. Allele origin: germline.

Labcorp Genetics (formerly Invitae), Labcorp
Classification: Uncertain significance. Last evaluated: 2022-09-13. Review status: criteria provided, single submitter. Criteria: Invitae Variant Classification Sherloc (09022015). Collection method: clinical testing. Allele origin: germline.
Comment: This sequence change replaces aspartic acid, which is acidic and polar, with glycine, which is neutral and non-polar, at codon 457 of the EIF2AK3 protein (p.Asp457Gly). This variant is present in population databases (rs750810139, gnomAD 0.01%). This variant has not been reported in the literature in individuals affected with EIF2AK3-related conditions. ClinVar contains an entry for this variant (Variation ID: 1000702). Algorithms developed to predict the effect of missense changes on protein structure and function are either unavailable or do not agree on the potential impact of this missense change (SIFT: "Deleterious"; PolyPhen-2: "Possibly Damaging"; Align-GVGD: "Class C0"). Algorithms developed to predict the effect of sequence changes on RNA splicing suggest that this variant may create or strengthen a splice site. In summary, the available evidence is currently insufficient to determine the role of this variant in disease. Therefore, it has been classified as a Variant of Uncertain Significance.

NM_004836.7(EIF2AK3):c.1370A>G (p.Asp457Gly)

Gene: EIF2AK3 (eukaryotic translation initiation factor 2 alpha kinase 3; minus strand). Cytogenetic location: 2p11.2.
Variant type: single nucleotide variant.
Coding change: c.1370A>G on transcript NM_004836.7 (MANE Select); coding-DNA position 1370, A replaced by G.
Protein change: p.Asp457Gly; replaces aspartic acid 457 with glycine.
Molecular consequence: missense variant.
Genome position (GRCh38, 1-based): chr2:88,588,041, T>C on the plus strand (A>G on the coding strand, the complement: EIF2AK3 is on the minus strand). VCF-style: chr2-88588041-T-C. GRCh37 (hg19) VCF-style: chr2-88887559-T-C.
Other names: c.917A>G, p.Asp306Gly (NM_001313915.2); short protein forms D306G, D457G.
Identifiers: ClinVar variation 1000702 (VCV001000702.6), dbSNP rs750810139, ClinGen allele CA1754712.